The following is an entry in ClinVar:

NM_020719.3(PRR12):c.3224del (p.Thr1075fs)

Gene: PRR12 (proline rich 12; plus strand). Cytogenetic location: 19q13.33.
Variant type: Deletion.
Coding change: c.3224del on transcript NM_020719.3 (MANE Select); coding-DNA position 3224, one base deleted (C; older notation c.3224delC).
Protein change: p.Thr1075fs; shifts the reading frame from threonine 1075.
Molecular consequence: frameshift variant.
Genome position (GRCh38, 1-based): chr19:49,597,559, C deleted. VCF-style (leftmost placement, unchanged base first): chr19-49597558-AC-A. GRCh37 (hg19) VCF-style: chr19-50100815-AC-A.
Other names: short protein forms T1075fs.
Identifiers: ClinVar variation 1013593 (VCV001013593.1), dbSNP rs2080782384, ClinGen allele CA2340487153.

ClinVar aggregate classification (germline): Pathogenic (1 of 4 stars; one submission).

Submission:

GeneDx
Classification: Pathogenic. Last evaluated: 2021-01-12. Review status: criteria provided, single submitter. Criteria: GeneDx Variant Classification (06012015). Collection method: clinical testing. Allele origin: germline. Affected: yes.
Comment: Not observed in large population cohorts (Lek et al., 2016). Frameshift variant predicted to result in protein truncation or nonsense mediated decay in a gene for which loss-of-function is a known mechanism of disease. We interpret c.3224delC as a pathogenic variant.